The following is an entry in ClinVar:

ClinVar aggregate classification (germline): Uncertain significance (1 of 4 stars; one submission).

Conditions:
Nemaline myopathy 9 (NEM9). Identifiers: MedGen C3810384, MONDO:0014326, OMIM 615731.

Submission:

Labcorp Genetics (formerly Invitae), Labcorp
Classification: Uncertain significance for Nemaline myopathy 9. Last evaluated: 2021-12-09. Review status: criteria provided, single submitter. Criteria: Invitae Variant Classification Sherloc (09022015). Collection method: clinical testing. Allele origin: germline.
Comment: In summary, the available evidence is currently insufficient to determine the role of this variant in disease. Therefore, it has been classified as a Variant of Uncertain Significance. Algorithms developed to predict the effect of missense changes on protein structure and function are either unavailable or do not agree on the potential impact of this missense change (SIFT: "Deleterious"; PolyPhen-2: "Benign"; Align-GVGD: "Class C65"). This variant has not been reported in the literature in individuals affected with KLHL41-related conditions. This variant is not present in population databases (gnomAD no frequency). This sequence change replaces cysteine, which is neutral and slightly polar, with serine, which is neutral and polar, at codon 221 of the KLHL41 protein (p.Cys221Ser).

NM_006063.3(KLHL41):c.661T>A (p.Cys221Ser)

Gene: KLHL41 (kelch like family member 41; plus strand). Cytogenetic location: 2q31.1.
Variant type: single nucleotide variant.
Coding change: c.661T>A on transcript NM_006063.3 (MANE Select); coding-DNA position 661, T replaced by A.
Protein change: p.Cys221Ser; replaces cysteine 221 with serine.
Molecular consequence: missense variant.
Genome position (GRCh38, 1-based): chr2:169,510,439, T>A. VCF-style: chr2-169510439-T-A. GRCh37 (hg19) VCF-style: chr2-170366949-T-A.
Other names: short protein forms C221S.
Identifiers: ClinVar variation 1472289 (VCV001472289.6), dbSNP rs2105308096, ClinGen allele CA349175877.